The following is an entry in ClinVar:

NM_080680.3(COL11A2):c.2896A>G (p.Lys966Glu)

Gene: COL11A2 (collagen type XI alpha 2 chain; minus strand). Cytogenetic location: 6p21.32.
Variant type: single nucleotide variant.
Coding change: c.2896A>G on transcript NM_080680.3 (MANE Select); coding-DNA position 2896, A replaced by G.
Protein change: p.Lys966Glu; replaces lysine 966 with glutamic acid.
Molecular consequence: missense variant.
Genome position (GRCh38, 1-based): chr6:33,172,532, T>C on the plus strand (A>G on the coding strand, the complement: COL11A2 is on the minus strand). VCF-style: chr6-33172532-T-C. GRCh37 (hg19) VCF-style: chr6-33140309-T-C.
Other names: c.2575A>G, p.Lys859Glu (NM_080679.3); c.2638A>G, p.Lys880Glu (NM_080681.3); short protein forms K859E, K880E, K966E.
Identifiers: ClinVar variation 2140295 (VCV002140295.5), dbSNP rs1174626573, ClinGen allele CA363637417.

ClinVar aggregate classification (germline): Uncertain significance. Review status: criteria provided, multiple submitters, no conflicts (2 of 4 stars). 2 submissions from 2 submitters: Uncertain significance (2). Last evaluated 2025-02-15.

Allele frequency attached by ClinVar (database versions not stated): gnomAD exomes below 0.00001.
gnomAD v4.1: 3 of 1,612,108 alleles (0.00019%); highest among the groups gnomAD compares: Admixed American, 0.0033%; no homozygotes.

Submissions (2):

Labcorp Genetics (formerly Invitae), Labcorp
Classification: Uncertain significance. Last evaluated: 2025-02-15. Review status: criteria provided, single submitter. Criteria: Invitae Variant Classification Sherloc (09022015). Collection method: clinical testing. Allele origin: germline.
Comment: This sequence change replaces lysine, which is basic and polar, with glutamic acid, which is acidic and polar, at codon 966 of the COL11A2 protein (p.Lys966Glu). This variant is present in population databases (no rsID available, gnomAD 0.003%). This variant has not been reported in the literature in individuals affected with COL11A2-related conditions. ClinVar contains an entry for this variant (Variation ID: 2140295). An algorithm developed to predict the effect of missense changes on protein structure and function (PolyPhen-2) suggests that this variant is likely to be disruptive. In summary, the available evidence is currently insufficient to determine the role of this variant in disease. Therefore, it has been classified as a Variant of Uncertain Significance.

Blueprint Genetics
Classification: Uncertain significance. Last evaluated: 2020-10-16. Review status: criteria provided, single submitter. Criteria: ACMG Guidelines, 2015. Collection method: clinical testing. Allele origin: germline.